The following is an entry in ClinVar:

NM_014994.3(MAPKBP1):c.2920C>T (p.Leu974=)

Gene: MAPKBP1 (mitogen-activated protein kinase binding protein 1; plus strand). Cytogenetic location: 15q15.1.
Variant type: single nucleotide variant.
Coding change: c.2920C>T on transcript NM_014994.3 (MANE Select); coding-DNA position 2920, C replaced by T.
Protein change: p.Leu974=; no amino-acid change (leucine 974 retained).
Molecular consequence: synonymous variant. On other transcripts: non-coding transcript variant (2).
Genome position (GRCh38, 1-based): chr15:41,821,999, C>T. VCF-style: chr15-41821999-C-T. GRCh37 (hg19) VCF-style: chr15-42114197-C-T.
Other names: c.2938C>T, p.Leu980= (NM_001128608.2); c.2920C>T, p.Leu974= (NM_001265611.2).
Identifiers: ClinVar variation 3058461 (VCV003058461.2), dbSNP rs2551105988, ClinGen allele CA489991115.

ClinVar aggregate classification (germline): Likely benign (0 of 4 stars; one submission).

Conditions:
MAPKBP1-related disorder. Also called: MAPKBP1-related condition.

Submission:

PreventionGenetics, part of Exact Sciences
Classification: Likely benign for MAPKBP1-related condition. Last evaluated: 2019-04-25. Review status: no assertion criteria provided. Collection method: clinical testing. Allele origin: germline.
Comment: This variant is classified as likely benign based on ACMG/AMP sequence variant interpretation guidelines (Richards et al. 2015 PMID: 25741868, with internal and published modifications).